The following is an entry in ClinVar:

ClinVar aggregate classification (germline): Uncertain significance (1 of 4 stars; one submission).

Conditions:
Arrhythmogenic right ventricular dysplasia 10. Also called: Arrhythmogenic Right Ventricular Dysplasia/Cardiomyopathy10; ARRHYTHMOGENIC RIGHT VENTRICULAR DYSPLASIA, FAMILIAL, 10; Arrhythmogenic right ventricular dysplasia/cardiomyopathy, type 10. Identifiers: MedGen C1857777, MONDO:0012434, OMIM 610193.

Submission:

Labcorp Genetics (formerly Invitae), Labcorp
Classification: Uncertain significance for Arrhythmogenic right ventricular dysplasia 10. Last evaluated: 2024-09-04. Review status: criteria provided, single submitter. Criteria: Invitae Variant Classification Sherloc (09022015). Collection method: clinical testing. Allele origin: germline.
Comment: This sequence change replaces glycine, which is neutral and non-polar, with leucine, which is neutral and non-polar, at codon 315 of the DSG2 protein (p.Gly315Leu). Information on the frequency of this variant in the gnomAD database is not available, as this variant may be reported differently in the database. This variant has not been reported in the literature in individuals affected with DSG2-related conditions. An algorithm developed to predict the effect of missense changes on protein structure and function (PolyPhen-2) suggests that this variant is likely to be disruptive. In summary, the available evidence is currently insufficient to determine the role of this variant in disease. Therefore, it has been classified as a Variant of Uncertain Significance.

NM_001943.5(DSG2):c.943_944delinsTT (p.Gly315Leu)

Gene: DSG2 (desmoglein 2; plus strand). Cytogenetic location: 18q12.1.
Variant type: Indel.
Coding change: c.943_944delinsTT on transcript NM_001943.5 (MANE Select); coding-DNA positions 943 to 944, GG replaced by TT.
Protein change: p.Gly315Leu; replaces glycine 315 with leucine.
Molecular consequence: missense variant.
Genome position (GRCh38, 1-based): chr18:31,524,817-31,524,818, GG replaced by TT. VCF-style: chr18-31524817-GG-TT. GRCh37 (hg19) VCF-style: chr18-29104780-GG-TT.
Other names: short protein forms G315L.
Identifiers: ClinVar variation 3610885 (VCV003610885.2).
Genomic context (GRCh38, chr18:31,524,817, plus strand): 5'-GTGTTCGATGCAGATGAAATAGGTTCTGATAATTGGCTGGCAAATTTTACATTTGCATCA[GG>TT]AAATGAAGGAGGTTATTTCCACATAGAAACAGATGCTCAAACTAACGAAGGAATTGTGAC-3'
Protein context (NP_001934.2, residues 305-325): NWLANFTFAS[Gly315Leu]NEGGYFHIET